The following is an entry in ClinVar:

ClinVar aggregate classification (germline): Pathogenic (1 of 4 stars; one submission).

Conditions:
Familial thoracic aortic aneurysm and aortic dissection (TAAD). Also called: Thoracic aortic aneurysms and dissections. Identifiers: Orphanet 91387, MedGen C4707243, MONDO:0019625.
Marfan syndrome (MFS). Also called: Marfan syndrome, classic; Marfan syndrome type 1; Marfan's syndrome; FBN1-Related Marfan Syndrome; MARFAN SYNDROME, TYPE I. Identifiers: Orphanet 284963, Orphanet 558, MedGen C0024796, MONDO:0007947, OMIM 154700.

Submission:

Labcorp Genetics (formerly Invitae), Labcorp
Classification: Pathogenic for Marfan syndrome; Familial thoracic aortic aneurysm and aortic dissection. Last evaluated: 2022-11-01. Review status: criteria provided, single submitter. Criteria: Invitae Variant Classification Sherloc (09022015). Collection method: clinical testing. Allele origin: germline.
Comment: For these reasons, this variant has been classified as Pathogenic. This variant disrupts the p.Cys576 amino acid residue in FBN1. Other variant(s) that disrupt this residue have been observed in individuals with FBN1-related conditions (PMID: 18435798, 25652356), which suggests that this may be a clinically significant amino acid residue. This variant affects a cysteine residue in the EGF-like, TGFBP or hybrid motif domains of FBN1. Cysteine residues are believed to be involved in intramolecular disulfide bridges and have been shown to be important for FBN1 protein structure (PMID: 16905551, 19349279). In addition, missense substitutions affecting cysteine residues within these domains are significantly overrepresented among patients with Marfan syndrome (PMID: 16571647, 17701892). This sequence change replaces cysteine, which is neutral and slightly polar, with tryptophan, which is neutral and slightly polar, at codon 576 of the FBN1 protein (p.Cys576Trp). This variant is not present in population databases (gnomAD no frequency). This missense change has been observed in individual(s) with clinical features of Marfan syndrome (Invitae). ClinVar contains an entry for this variant (Variation ID: 943899). Advanced modeling of protein sequence and biophysical properties (such as structural, functional, and spatial information, amino acid conservation, physicochemical variation, residue mobility, and thermodynamic stability) performed at Invitae indicates that this missense variant is expected to disrupt FBN1 protein function.

Literature cited by the submitters: PubMed 18435798; PubMed 25652356; PubMed 16905551; PubMed 19349279; PubMed 16571647; PubMed 17701892.

NM_000138.5(FBN1):c.1728C>G (p.Cys576Trp)

Gene: FBN1 (fibrillin 1; minus strand). Cytogenetic location: 15q21.1.
Variant type: single nucleotide variant.
Coding change: c.1728C>G on transcript NM_000138.5 (MANE Select); coding-DNA position 1728, C replaced by G.
Protein change: p.Cys576Trp; replaces cysteine 576 with tryptophan.
Molecular consequence: missense variant.
Genome position (GRCh38, 1-based): chr15:48,508,691, G>C on the plus strand (C>G on the coding strand, the complement: FBN1 is on the minus strand). VCF-style: chr15-48508691-G-C. GRCh37 (hg19) VCF-style: chr15-48800888-G-C.
Other names: short protein forms C576W.
Identifiers: ClinVar variation 943899 (VCV000943899.9), dbSNP rs2043733087, ClinGen allele CA392340642.